The following is an entry in ClinVar:

ClinVar aggregate classification (germline): Uncertain significance (1 of 4 stars; one submission).

Conditions:
Epileptic encephalopathy. Identifiers: MedGen C0543888, HP:0200134.

Allele frequency attached by ClinVar (database versions not stated): ExAC 0.00001; TOPMed 0.00001; gnomAD exomes 0.00002.
gnomAD v4.1: 6 of 1,613,694 alleles (0.00037%); highest among the groups gnomAD compares: Admixed American, 0.0033%; no homozygotes.

Submission:

Labcorp Genetics (formerly Invitae), Labcorp
Classification: Uncertain significance for Epileptic encephalopathy. Last evaluated: 2025-09-02. Review status: criteria provided, single submitter. Criteria: Invitae Variant Classification Sherloc (09022015). Collection method: clinical testing. Allele origin: germline.
Comment: This sequence change replaces glutamic acid, which is acidic and polar, with lysine, which is basic and polar, at codon 286 of the GABBR2 protein (p.Glu286Lys). This variant is present in population databases (rs745672188, gnomAD 0.009%). This variant has not been reported in the literature in individuals affected with GABBR2-related conditions. ClinVar contains an entry for this variant (Variation ID: 957217). Invitae Evidence Modeling of protein sequence and biophysical properties (such as structural, functional, and spatial information, amino acid conservation, physicochemical variation, residue mobility, and thermodynamic stability) indicates that this missense variant is not expected to disrupt GABBR2 protein function with a negative predictive value of 80%. In summary, the available evidence is currently insufficient to determine the role of this variant in disease. Therefore, it has been classified as a Variant of Uncertain Significance.

NM_005458.8(GABBR2):c.856G>A (p.Glu286Lys)

Gene: GABBR2 (gamma-aminobutyric acid type B receptor subunit 2; minus strand). Cytogenetic location: 9q22.33.
Variant type: single nucleotide variant.
Coding change: c.856G>A on transcript NM_005458.8 (MANE Select); coding-DNA position 856, G replaced by A.
Protein change: p.Glu286Lys; replaces glutamic acid 286 with lysine.
Molecular consequence: missense variant.
Genome position (GRCh38, 1-based): chr9:98,473,289, C>T on the plus strand (G>A on the coding strand, the complement: GABBR2 is on the minus strand). VCF-style: chr9-98473289-C-T. GRCh37 (hg19) VCF-style: chr9-101235571-C-T.
Other names: short protein forms E286K.
Identifiers: ClinVar variation 957217 (VCV000957217.9), dbSNP rs745672188, ClinGen allele CA5152862.